The following is an entry in ClinVar:

ClinVar aggregate classification (germline): Uncertain significance (1 of 4 stars; one submission).

Conditions:
Hereditary diffuse gastric adenocarcinoma (HDGC). Also called: DIFFUSE GASTRIC AND LOBULAR BREAST CANCER SYNDROME. Identifiers: Orphanet 26106, MedGen C1708349, MONDO:0007648, OMIM 137215.

Allele frequency attached by ClinVar (database versions not stated): gnomAD exomes below 0.00001.
gnomAD v4.1: 1 of 1,614,118 alleles (0.000062%); highest among the groups gnomAD compares: Non-Finnish European, 0.000085%; no homozygotes.

Submission:

Labcorp Genetics (formerly Invitae), Labcorp
Classification: Uncertain significance for Hereditary diffuse gastric adenocarcinoma. Last evaluated: 2017-03-26. Review status: criteria provided, single submitter. Criteria: Invitae Variant Classification Sherloc (09022015). Collection method: clinical testing. Allele origin: germline.
Comment: In summary, this variant is a novel missense change that is not predicted to affect protein function. There is no indication that it causes disease, but the available evidence is currently insufficient to prove that conclusively. Therefore, it has been classified as a Variant of Uncertain Significance. Algorithms developed to predict the effect of missense changes on protein structure and function output the following: SIFT: "Tolerated"; PolyPhen-2: "Benign"; Align-GVGD: "Class C0". The alanine amino acid residue is found in multiple mammalian species, suggesting that this missense change does not adversely affect protein function. These predictions have not been confirmed by published functional studies. This variant is not present in population databases (ExAC no frequency) and has not been reported in the literature in individuals with a CDH1-related disease. This sequence change replaces valine with alanine at codon 391 of the CDH1 protein (p.Val391Ala). The valine residue is weakly conserved and there is a small physicochemical difference between valine and alanine.

NM_004360.5(CDH1):c.1172T>C (p.Val391Ala)

Gene: CDH1 (cadherin 1; plus strand). Cytogenetic location: 16q22.1.
Variant type: single nucleotide variant.
Coding change: c.1172T>C on transcript NM_004360.5 (MANE Select); coding-DNA position 1172, T replaced by C.
Protein change: p.Val391Ala; replaces valine 391 with alanine.
Molecular consequence: missense variant. On other transcripts: 5 prime UTR variant (2), intron variant (1).
Genome position (GRCh38, 1-based): chr16:68,813,347, T>C. VCF-style: chr16-68813347-T-C. GRCh37 (hg19) VCF-style: chr16-68847250-T-C.
Other names: c.1172T>C (LRG_301t1); c.-444T>C (NM_001317185.2); c.-648T>C (NM_001317186.2); c.1137+1084T>C (NM_001317184.2); short protein forms V391A.
Identifiers: ClinVar variation 463703 (VCV000463703.9), dbSNP rs1555515873, ClinGen allele CA396461159.